The following is an entry in ClinVar:

NM_005732.4(RAD50):c.2397+1G>A

Gene: RAD50 (RAD50 double strand break repair protein; plus strand). Cytogenetic location: 5q31.1.
Variant type: single nucleotide variant.
Coding change: c.2397+1G>A on transcript NM_005732.4 (MANE Select); the canonical splice donor site of the intron after coding-DNA position 2397, G replaced by A.
Molecular consequence: splice donor variant.
Genome position (GRCh38, 1-based): chr5:132,603,490, G>A. VCF-style: chr5-132603490-G-A. GRCh37 (hg19) VCF-style: chr5-131939182-G-A.
Identifiers: ClinVar variation 837086 (VCV000837086.8), dbSNP rs1750926104, ClinGen allele CA360955187.
Genomic context (GRCh38, chr5:132,603,490, plus strand): 5'-CCTGAAGAAGAAAGTGCCAAAGTATGCCTGACAGATGTTACAATTATGGAGAGGTTCCAG[G>A]TAAGTTTATTGTAGTTTAAGGCAGAATAAAACTTGTTCCATGGTGGCTTGAATTTGAAGT-3'

ClinVar aggregate classification (germline): Likely pathogenic (1 of 4 stars; one submission).

Conditions:
Hereditary cancer-predisposing syndrome. Also called: Hereditary neoplastic syndrome; Neoplastic Syndromes, Hereditary; Tumor predisposition; Hereditary Cancer Syndrome. Identifiers: Orphanet 140162, MedGen C0027672, MeSH D009386, MONDO:0015356.

Submission:

Labcorp Genetics (formerly Invitae), Labcorp
Classification: Likely pathogenic for Hereditary cancer-predisposing syndrome. Last evaluated: 2022-03-18. Review status: criteria provided, single submitter. Criteria: Invitae Variant Classification Sherloc (09022015). Collection method: clinical testing. Allele origin: germline.
Comment: Algorithms developed to predict the effect of sequence changes on RNA splicing suggest that this variant may disrupt the consensus splice site. In summary, the currently available evidence indicates that the variant is pathogenic, but additional data are needed to prove that conclusively. Therefore, this variant has been classified as Likely Pathogenic. ClinVar contains an entry for this variant (Variation ID: 837086). This variant has not been reported in the literature in individuals affected with RAD50-related conditions. This variant is not present in population databases (gnomAD no frequency). This sequence change affects a donor splice site in intron 14 of the RAD50 gene. It is expected to disrupt RNA splicing. Variants that disrupt the donor or acceptor splice site typically lead to a loss of protein function (PMID: 16199547), and loss-of-function variants in RAD50 are known to be pathogenic (PMID: 19409520).

Literature cited by the submitters: PubMed 16199547; PubMed 19409520.